The following is an entry in ClinVar:

ClinVar aggregate classification (germline): Uncertain significance (1 of 4 stars; one submission).

Conditions:
Neurofibromatosis, type 2 (SWNV). Also called: BILATERAL ACOUSTIC NEUROFIBROMATOSIS; SCHWANNOMATOSIS, VESTIBULAR; NF2-Related Schwannomatosis. Identifiers: Orphanet 637, MedGen C0027832, MONDO:0007039, OMIM 101000. Disease mechanism: loss of function.

Allele frequency attached by ClinVar (database versions not stated): gnomAD exomes below 0.00001.
gnomAD v4.1: 4 of 1,610,522 alleles (0.00025%); highest among the groups gnomAD compares: South Asian, 0.0033%; no homozygotes.

Submission:

Labcorp Genetics (formerly Invitae), Labcorp
Classification: Uncertain significance for Neurofibromatosis, type 2. Last evaluated: 2025-07-10. Review status: criteria provided, single submitter. Criteria: Invitae Variant Classification Sherloc (09022015). Collection method: clinical testing. Allele origin: germline.
Comment: This sequence change replaces methionine, which is neutral and non-polar, with threonine, which is neutral and polar, at codon 409 of the NF2 protein (p.Met409Thr). This variant is not present in population databases (gnomAD no frequency). This variant has not been reported in the literature in individuals affected with NF2-related conditions. ClinVar contains an entry for this variant (Variation ID: 2711666). Invitae Evidence Modeling of protein sequence and biophysical properties (such as structural, functional, and spatial information, amino acid conservation, physicochemical variation, residue mobility, and thermodynamic stability) indicates that this missense variant is not expected to disrupt NF2 protein function with a negative predictive value of 80%. In summary, the available evidence is currently insufficient to determine the role of this variant in disease. Therefore, it has been classified as a Variant of Uncertain Significance.

NM_000268.4(NF2):c.1226T>C (p.Met409Thr)

Gene: NF2 (NF2, moesin-ezrin-radixin like (MERLIN) tumor suppressor; plus strand). Cytogenetic location: 22q12.2.
Variant type: single nucleotide variant.
Coding change: c.1226T>C on transcript NM_000268.4 (MANE Select); coding-DNA position 1226, T replaced by C.
Protein change: p.Met409Thr; replaces methionine 409 with threonine.
Molecular consequence: missense variant. On other transcripts: intron variant (1).
Genome position (GRCh38, 1-based): chr22:29,673,372, T>C. VCF-style: chr22-29673372-T-C. GRCh37 (hg19) VCF-style: chr22-30069361-T-C.
Other names: c.1112T>C, p.Met371Thr (NM_001407053.1, NM_001407056.1); c.1103T>C, p.Met368Thr (NM_001407054.1, NM_001407058.1, NM_181829.3); c.1100T>C, p.Met367Thr (NM_001407055.1, NM_181828.3); c.1091T>C, p.Met364Thr (NM_001407057.1, NM_001407059.1); c.1226T>C, p.Met409Thr (NM_001407060.1, NM_001407066.1, NM_016418.5 and 2 more transcripts); c.968T>C, p.Met323Thr (NM_001407062.1); c.977T>C, p.Met326Thr (NM_001407063.1, NM_001407064.1, NM_181830.3 and 1 more transcripts); c.692T>C, p.Met231Thr (NM_001407065.1); and 2 more; short protein forms M368T, M371T, M332T, M367T, M231T, M323T, M326T, M364T.
Identifiers: ClinVar variation 2711666 (VCV002711666.3), dbSNP rs2147082939, ClinGen allele CA411148236.